The following is an entry in ClinVar:

ClinVar aggregate classification (germline): Pathogenic (1 of 4 stars; one submission).

Conditions:
Exostoses, multiple, type 2 (EXT2). Also called: Hereditary Multiple Osteochondromatosis, Type II; EXOSTOSES, MULTIPLE, TYPE II. Identifiers: Orphanet 321, MedGen C1851413, MONDO:0007586, OMIM 133701.

Submission:

Labcorp Genetics (formerly Invitae), Labcorp
Classification: Pathogenic for Exostoses, multiple, type 2. Last evaluated: 2024-11-20. Review status: criteria provided, single submitter. Criteria: Invitae Variant Classification Sherloc (09022015). Collection method: clinical testing. Allele origin: germline.
Comment: This sequence change creates a premature translational stop signal (p.Gly596Serfs*19) in the EXT2 gene. It is expected to result in an absent or disrupted protein product. Loss-of-function variants in EXT2 are known to be pathogenic (PMID: 10679937, 19810120). This variant is not present in population databases (gnomAD no frequency). This variant has not been reported in the literature in individuals affected with EXT2-related conditions. For these reasons, this variant has been classified as Pathogenic.

Literature cited by the submitters: PubMed 10679937; PubMed 19810120.

NM_207122.2(EXT2):c.1785_1803del (p.Gly596fs)

Gene: EXT2 (exostosin glycosyltransferase 2; plus strand). Cytogenetic location: 11p11.2.
Variant type: Deletion.
Coding change: c.1785_1803del on transcript NM_207122.2 (MANE Select); coding-DNA positions 1785 to 1803, 19 bases deleted (TGGGGCAGCTTTTTATCAC).
Protein change: p.Gly596fs; shifts the reading frame from glycine 596.
Molecular consequence: frameshift variant.
Genome position (GRCh38, 1-based): chr11:44,232,475-44,232,493, TGGGGCAGCTTTTTATCAC deleted; deleting any 19 consecutive bases within chr11:44,232,471-44,232,493 gives the same sequence; the c. name uses the placement nearest the transcript's 3' end. VCF-style (leftmost placement, unchanged base first): chr11-44232470-CTCACTGGGGCAGCTTTTTA-C. GRCh37 (hg19) VCF-style: chr11-44254020-CTCACTGGGGCAGCTTTTTA-C.
Other names: c.1884_1902del, p.Gly629fs (NM_000401.3); c.1815_1833del, p.Gly606fs (NM_001178083.3); c.1785_1803del, p.Gly596fs (NM_001389628.1, NM_001389630.1); short protein forms G629fs, G596fs, G606fs.
Identifiers: ClinVar variation 3725668 (VCV003725668.2).
Genomic context (GRCh38, chr11:44,232,470, plus strand): 5'-GACCATGAGATGAATAAGTGGAAGTATGAGTCTGAGTGGACGAATGAAGTGTCCATGGTG[CTCACTGGGGCAGCTTTTTA>C]TCACAAGGTAAGGGGGCGCAGTCCTGGCAAGGTGACAAAACTGAGAGAATGATACACATT-3'